The following is an entry in ClinVar:

ClinVar aggregate classification (germline): Uncertain significance (1 of 4 stars; one submission).

Allele frequency attached by ClinVar (database versions not stated): gnomAD exomes below 0.00001; ExAC 0.00001.
gnomAD v4.1: 1 of 1,613,606 alleles (0.000062%); highest among the groups gnomAD compares: Non-Finnish European, 0.000085%; no homozygotes.

Submission:

Labcorp Genetics (formerly Invitae), Labcorp
Classification: Uncertain significance. Last evaluated: 2024-01-11. Review status: criteria provided, single submitter. Criteria: Invitae Variant Classification Sherloc (09022015). Collection method: clinical testing. Allele origin: germline.
Comment: This sequence change replaces proline, which is neutral and non-polar, with serine, which is neutral and polar, at codon 2078 of the COL7A1 protein (p.Pro2078Ser). This variant is present in population databases (rs765967106, gnomAD 0.003%). This variant has not been reported in the literature in individuals affected with COL7A1-related conditions. ClinVar contains an entry for this variant (Variation ID: 1959068). Advanced modeling of protein sequence and biophysical properties (such as structural, functional, and spatial information, amino acid conservation, physicochemical variation, residue mobility, and thermodynamic stability) performed at Invitae indicates that this missense variant is not expected to disrupt COL7A1 protein function with a negative predictive value of 95%. In summary, the available evidence is currently insufficient to determine the role of this variant in disease. Therefore, it has been classified as a Variant of Uncertain Significance.

NM_000094.4(COL7A1):c.6232C>T (p.Pro2078Ser)

Gene: COL7A1 (collagen type VII alpha 1 chain; minus strand). Cytogenetic location: 3p21.31.
Variant type: single nucleotide variant.
Coding change: c.6232C>T on transcript NM_000094.4 (MANE Select); coding-DNA position 6232, C replaced by T.
Protein change: p.Pro2078Ser; replaces proline 2078 with serine.
Molecular consequence: missense variant.
Genome position (GRCh38, 1-based): chr3:48,575,111, G>A on the plus strand (C>T on the coding strand, the complement: COL7A1 is on the minus strand). VCF-style: chr3-48575111-G-A. GRCh37 (hg19) VCF-style: chr3-48612544-G-A.
Other names: short protein forms P2078S.
Identifiers: ClinVar variation 1959068 (VCV001959068.5), dbSNP rs765967106, ClinGen allele CA2379140.